The following is an entry in ClinVar:

ClinVar aggregate classification (germline): Uncertain significance (1 of 4 stars; one submission).

Conditions:
Charcot-Marie-Tooth disease axonal type 2Z. Also called: CHARCOT-MARIE-TOOTH DISEASE, AXONAL, AUTOSOMAL DOMINANT, TYPE 2Z; CHARCOT-MARIE-TOOTH NEUROPATHY, TYPE 2Z. Identifiers: Orphanet 466768, MedGen C5569025, MONDO:0014736, OMIM 616688.
Developmental delay, impaired growth, dysmorphic facies, and axonal neuropathy. Identifiers: MedGen C5436781, MONDO:0030835, OMIM 619090.

Submission:

Juno Genomics, Hangzhou Juno Genomics, Inc
Classification: Uncertain significance for Charcot-Marie-Tooth disease axonal type 2Z; Developmental delay, impaired growth, dysmorphic facies, and axonal neuropathy. Review status: criteria provided, single submitter. Criteria: ACMG Guidelines, 2015. Collection method: clinical testing. Allele origin: germline. Affected: yes.
Comment: Absent from controls (or at extremely low frequency if recessive) in Genome Aggregation Database, Exome Sequencing Project, 1000 Genomes Project, or Exome Aggregation Consortium.;Multiple lines of computational evidence support a deleterious effect on the gene or gene product (conservation, evolutionary, splicing impact, etc).;Missense variant in a gene that has a low rate of benign missense variation and where missense variants are a common mechanism of disease.

NM_001303256.3(MORC2):c.2255C>G (p.Ala752Gly)

Gene: MORC2 (MORC family CW-type zinc finger 2; minus strand). Cytogenetic location: 22q12.2.
Variant type: single nucleotide variant.
Coding change: c.2255C>G on transcript NM_001303256.3 (MANE Select); coding-DNA position 2255, C replaced by G.
Protein change: p.Ala752Gly; replaces alanine 752 with glycine.
Molecular consequence: missense variant.
Genome position (GRCh38, 1-based): chr22:30,934,130, G>C on the plus strand (C>G on the coding strand, the complement: MORC2 is on the minus strand). VCF-style: chr22-30934130-G-C. GRCh37 (hg19) VCF-style: chr22-31330117-G-C.
Other names: c.2255C>G, p.Ala752Gly (NM_001303257.2); c.2069C>G, p.Ala690Gly (NM_014941.3); short protein forms A690G, A752G.
Identifiers: ClinVar variation 3382513 (VCV003382513.2).